The following is an entry in ClinVar:

NM_000388.4(CASR):c.1100C>A (p.Pro367His)

Gene: CASR (calcium sensing receptor; plus strand). Cytogenetic location: 3q21.1.
Variant type: single nucleotide variant.
Coding change: c.1100C>A on transcript NM_000388.4 (MANE Select); coding-DNA position 1100, C replaced by A.
Protein change: p.Pro367His; replaces proline 367 with histidine.
Molecular consequence: missense variant.
Genome position (GRCh38, 1-based): chr3:122,262,135, C>A. VCF-style: chr3-122262135-C-A. GRCh37 (hg19) VCF-style: chr3-121980982-C-A.
Other names: c.1100C>A (NM_000388.3); c.1100C>A, p.Pro367His (NM_001178065.2); short protein forms P367H.
Identifiers: ClinVar variation 2188443 (VCV002188443.5), dbSNP rs1482267551, ClinGen allele CA354152588.

ClinVar aggregate classification (germline): Uncertain significance. Review status: criteria provided, multiple submitters, no conflicts (2 of 4 stars). 2 submissions from 2 submitters: Uncertain significance (2). Last evaluated 2023-11-11.

Conditions:
Familial hypocalciuric hypercalcemia (FHH). Also called: Familial benign hypercalcemia. Identifiers: Orphanet 405, MedGen C1809471, MONDO:0018458.
Autosomal dominant hypocalcemia 1 (HYPOC1). Also called: HYPOCALCEMIA, FAMILIAL. Identifiers: MedGen C3715128, MONDO:0011013, OMIM 601198.
Nephrolithiasis/nephrocalcinosis. Identifiers: MedGen CN580796.

Allele frequency attached by ClinVar (database versions not stated): TOPMed below 0.00001; gnomAD 0.00001.
gnomAD v4.1: 3 of 1,614,074 alleles (0.00019%); highest among the groups gnomAD compares: Non-Finnish European, 0.00025%; no homozygotes.

Submissions (2):

Labcorp Genetics (formerly Invitae), Labcorp
Classification: Uncertain significance for Familial hypocalciuric hypercalcemia; Autosomal dominant hypocalcemia 1. Last evaluated: 2023-11-11. Review status: criteria provided, single submitter. Criteria: Invitae Variant Classification Sherloc (09022015). Collection method: clinical testing. Allele origin: germline.
Comment: This sequence change replaces proline, which is neutral and non-polar, with histidine, which is basic and polar, at codon 367 of the CASR protein (p.Pro367His). This variant is not present in population databases (gnomAD no frequency). This variant has not been reported in the literature in individuals affected with CASR-related conditions. ClinVar contains an entry for this variant (Variation ID: 2188443). An algorithm developed to predict the effect of missense changes on protein structure and function (PolyPhen-2) suggests that this variant is likely to be tolerated. In summary, the available evidence is currently insufficient to determine the role of this variant in disease. Therefore, it has been classified as a Variant of Uncertain Significance.

Ambry Genetics
Classification: Uncertain significance for Nephrolithiasis/nephrocalcinosis. Last evaluated: 2023-09-20. Review status: criteria provided, single submitter. Criteria: Ambry Variant Classification Scheme 2023. Collection method: clinical testing. Allele origin: germline.
Comment: The p.P367H variant (also known as c.1100C>A), located in coding exon 3 of the CASR gene, results from a C to A substitution at nucleotide position 1100. The proline at codon 367 is replaced by histidine, an amino acid with similar properties. This amino acid position is conserved. In addition, this alteration is predicted to be tolerated by in silico analysis. Since supporting evidence is limited at this time, the clinical significance of this alteration remains unclear.